The following is an entry in ClinVar:

NM_002609.4(PDGFRB):c.2002T>A (p.Leu668Met)

Gene: PDGFRB (platelet derived growth factor receptor beta; minus strand). Cytogenetic location: 5q32.
Variant type: single nucleotide variant.
Coding change: c.2002T>A on transcript NM_002609.4 (MANE Select); coding-DNA position 2002, T replaced by A.
Protein change: p.Leu668Met; replaces leucine 668 with methionine.
Molecular consequence: missense variant.
Genome position (GRCh38, 1-based): chr5:150,124,271, A>T on the plus strand (T>A on the coding strand, the complement: PDGFRB is on the minus strand). VCF-style: chr5-150124271-A-T. GRCh37 (hg19) VCF-style: chr5-149503834-A-T.
Other names: c.1810T>A, p.Leu604Met (NM_001355016.2); c.1519T>A, p.Leu507Met (NM_001355017.2); short protein forms L507M, L604M, L668M.
Identifiers: ClinVar variation 3378375 (VCV003378375.1).

ClinVar aggregate classification (germline): Uncertain significance (1 of 4 stars; one submission).

gnomAD v4.1: 1 of 1,613,662 alleles (0.000062%); highest among the groups gnomAD compares: East Asian, 0.0022%; no homozygotes.

Submission:

GeneDx
Classification: Uncertain significance. Last evaluated: 2024-05-14. Review status: criteria provided, single submitter. Criteria: GeneDx Variant Classification Process June 2021. Collection method: clinical testing. Allele origin: germline. Affected: yes.
Comment: Not observed at significant frequency in large population cohorts (gnomAD); In silico analysis indicates that this missense variant does not alter protein structure/function; Has not been previously published as pathogenic or benign to our knowledge